The following is an entry in ClinVar:

ClinVar aggregate classification (germline): Uncertain significance (1 of 4 stars; one submission).

Conditions:
Arrhythmogenic cardiomyopathy with wooly hair and keratoderma. Also called: PALMOPLANTAR KERATODERMA WITH LEFT VENTRICULAR CARDIOMYOPATHY AND WOOLLY HAIR; Carvajal syndrome; Dilated cardiomyopathy with woolly hair and keratoderma; Arrhythmogenic cardiomyopathy with woolly hair and keratoderma. Identifiers: Orphanet 65282, MedGen C1854063, MONDO:0011581, OMIM 605676.

Submission:

All of Us Research Program, National Institutes of Health
Classification: Uncertain significance for Arrhythmogenic cardiomyopathy with wooly hair and keratoderma. Last evaluated: 2023-08-15. Review status: criteria provided, single submitter. Criteria: ACMG Guidelines, 2015. Collection method: clinical testing. Allele origin: germline. Inheritance: Autosomal dominant inheritance. Observed: 1 variant allele, 1 heterozygote.
Comment: This missense variant replaces arginine with serine at codon 2465 of the DSP protein. Computational prediction is inconclusive regarding the impact of this variant on protein structure and function (internally defined REVEL score threshold 0.5 < inconclusive < 0.7, PMID: 27666373). To our knowledge, functional studies have not been reported for this variant. This variant has not been reported in individuals affected with DSP-related disorders in the literature. This variant has not been identified in the general population by the Genome Aggregation Database (gnomAD). The available evidence is insufficient to determine the role of this variant in disease conclusively. Therefore, this variant is classified as a Variant of Uncertain Significance.

This study involves interpretation of variants in research participants for the purpose of population health screening. Participant phenotype was not available at the time of variant classification. Additional details can be found in publication PMID: 35346344, PMCID: PMC8962531

NM_004415.4(DSP):c.7395A>C (p.Arg2465Ser)

Gene: DSP (desmoplakin; plus strand). Cytogenetic location: 6p24.3.
Variant type: single nucleotide variant.
Coding change: c.7395A>C on transcript NM_004415.4 (MANE Select); coding-DNA position 7395, A replaced by C.
Protein change: p.Arg2465Ser; replaces arginine 2465 with serine.
Molecular consequence: missense variant.
Genome position (GRCh38, 1-based): chr6:7,584,657, A>C. VCF-style: chr6-7584657-A-C. GRCh37 (hg19) VCF-style: chr6-7584890-A-C.
Other names: c.5598A>C, p.Arg1866Ser (NM_001008844.3); c.6066A>C, p.Arg2022Ser (NM_001319034.2); short protein forms R1866S, R2022S, R2465S.
Identifiers: ClinVar variation 3072885 (VCV003072885.1), dbSNP rs2533945686, ClinGen allele CA362692906.